The following is an entry in ClinVar:

NM_006059.4(LAMC3):c.2594C>T (p.Pro865Leu)

Gene: LAMC3 (laminin subunit gamma 3; plus strand). Cytogenetic location: 9q34.12.
Variant type: single nucleotide variant.
Coding change: c.2594C>T on transcript NM_006059.4 (MANE Select); coding-DNA position 2594, C replaced by T.
Protein change: p.Pro865Leu; replaces proline 865 with leucine.
Molecular consequence: missense variant.
Genome position (GRCh38, 1-based): chr9:131,068,078, C>T. VCF-style: chr9-131068078-C-T. GRCh37 (hg19) VCF-style: chr9-133943465-C-T.
Other names: short protein forms P865L.
Identifiers: ClinVar variation 1974142 (VCV001974142.2), dbSNP rs1287284857, ClinGen allele CA375253533.

ClinVar aggregate classification (germline): Uncertain significance (1 of 4 stars; one submission).

Allele frequency attached by ClinVar (database versions not stated): gnomAD exomes below 0.00001.
gnomAD v4.1: 2 of 1,610,516 alleles (0.00012%); highest among the groups gnomAD compares: Non-Finnish European, 0.00017%; no homozygotes.

Submission:

Labcorp Genetics (formerly Invitae), Labcorp
Classification: Uncertain significance. Last evaluated: 2022-02-21. Review status: criteria provided, single submitter. Criteria: Invitae Variant Classification Sherloc (09022015). Collection method: clinical testing. Allele origin: germline.
Comment: This sequence change replaces proline, which is neutral and non-polar, with leucine, which is neutral and non-polar, at codon 865 of the LAMC3 protein (p.Pro865Leu). This variant is present in population databases (no rsID available, gnomAD 0.002%). This variant has not been reported in the literature in individuals affected with LAMC3-related conditions. Algorithms developed to predict the effect of missense changes on protein structure and function are either unavailable or do not agree on the potential impact of this missense change (SIFT: "Tolerated"; PolyPhen-2: "Possibly Damaging"; Align-GVGD: "Class C0"). In summary, the available evidence is currently insufficient to determine the role of this variant in disease. Therefore, it has been classified as a Variant of Uncertain Significance.